The following is an entry in ClinVar:

ClinVar aggregate classification (germline): Uncertain significance (1 of 4 stars; one submission).

Allele frequency attached by ClinVar (database versions not stated): gnomAD exomes 0.00001; ExAC 0.00002; TOPMed 0.00002.
gnomAD v4.1: 13 of 1,612,998 alleles (0.00081%); highest among the groups gnomAD compares: Non-Finnish European, 0.001%; no homozygotes.

Submission:

GeneDx
Classification: Uncertain significance. Last evaluated: 2022-04-04. Review status: criteria provided, single submitter. Criteria: GeneDx Variant Classification Process June 2021. Collection method: clinical testing. Allele origin: germline. Affected: yes.
Comment: Not observed at significant frequency in large population cohorts (gnomAD); In silico analysis supports that this missense variant does not alter protein structure/function; Has not been previously published as pathogenic or benign to our knowledge

NM_004046.6(ATP5F1A):c.1512T>G (p.Ile504Met)

Gene: ATP5F1A (ATP synthase F1 subunit alpha; minus strand). Cytogenetic location: 18q21.1.
Variant type: single nucleotide variant.
Coding change: c.1512T>G on transcript NM_004046.6 (MANE Select); coding-DNA position 1512, T replaced by G.
Protein change: p.Ile504Met; replaces isoleucine 504 with methionine.
Molecular consequence: missense variant.
Genome position (GRCh38, 1-based): chr18:46,084,572, A>C on the plus strand (T>G on the coding strand, the complement: ATP5F1A is on the minus strand). VCF-style: chr18-46084572-A-C. GRCh37 (hg19) VCF-style: chr18-43664538-A-C.
Other names: c.1362T>G, p.Ile454Met (NM_001001935.3, NM_001257335.2); c.1512T>G, p.Ile504Met (NM_001001937.2); c.1446T>G, p.Ile482Met (NM_001257334.2); short protein forms I454M, I482M, I504M.
Identifiers: ClinVar variation 1722873 (VCV001722873.2), dbSNP rs753837503, ClinGen allele CA8950541.